The following is an entry in ClinVar:

NM_198576.4(AGRN):c.2329A>G (p.Asn777Asp)

Gene: AGRN (agrin; plus strand). Cytogenetic location: 1p36.33.
Variant type: single nucleotide variant.
Coding change: c.2329A>G on transcript NM_198576.4 (MANE Select); coding-DNA position 2329, A replaced by G.
Protein change: p.Asn777Asp; replaces asparagine 777 with aspartic acid.
Molecular consequence: missense variant.
Genome position (GRCh38, 1-based): chr1:1,045,235, A>G. VCF-style: chr1-1045235-A-G. GRCh37 (hg19) VCF-style: chr1-980615-A-G.
Other names: c.2329A>G, p.Asn777Asp (NM_001305275.2); c.2014A>G, p.Asn672Asp (NM_001364727.2); short protein forms N777D, N672D.
Identifiers: ClinVar variation 567045 (VCV000567045.4), dbSNP rs777783441, ClinGen allele CA337838741.
Genomic context (GRCh38, chr1:1,045,235, plus strand): 5'-CCGCTGCCGCCTGTGGCCCCCTTACACTGTGCCCAGACGCCCTACGGCTGCTGCCAGGAC[A>G]ATATCACCGCAGCCCGGGGCGTGGGCCTGGCTGGCTGCCCCAGTGAGTACCTGAGCTCAG-3'
Protein context (NP_940978.2, residues 767-787): AQTPYGCCQD[Asn777Asp]ITAARGVGLA

ClinVar aggregate classification (germline): Uncertain significance (1 of 4 stars; one submission).

Conditions:
Congenital myasthenic syndrome 8. Also called: MYASTHENIC SYNDROME, CONGENITAL, DUE TO AGRIN DEFICIENCY; Myasthenic syndrome, congenital, 8, with pre- and postsynaptic defects. Identifiers: Orphanet 590, MedGen C3808739, MONDO:0014052, OMIM 615120.

gnomAD v4.1: 3 of 1,612,344 alleles (0.00019%); highest among the groups gnomAD compares: South Asian, 0.0011%; no homozygotes.

Submission:

Labcorp Genetics (formerly Invitae), Labcorp
Classification: Uncertain significance for Congenital myasthenic syndrome 8. Last evaluated: 2022-06-27. Review status: criteria provided, single submitter. Criteria: Invitae Variant Classification Sherloc (09022015). Collection method: clinical testing. Allele origin: germline.
Comment: Algorithms developed to predict the effect of missense changes on protein structure and function are either unavailable or do not agree on the potential impact of this missense change (SIFT: "Deleterious"; PolyPhen-2: "Benign"; Align-GVGD: "Class C0"). In summary, the available evidence is currently insufficient to determine the role of this variant in disease. Therefore, it has been classified as a Variant of Uncertain Significance. ClinVar contains an entry for this variant (Variation ID: 567045). This variant has not been reported in the literature in individuals affected with AGRN-related conditions. This variant is not present in population databases (gnomAD no frequency). This sequence change replaces asparagine, which is neutral and polar, with aspartic acid, which is acidic and polar, at codon 777 of the AGRN protein (p.Asn777Asp).